The following is an entry in ClinVar:

NM_033026.6(PCLO):c.3658C>A (p.Leu1220Ile)

Gene: PCLO (piccolo presynaptic cytomatrix protein; minus strand). Cytogenetic location: 7q21.11.
Variant type: single nucleotide variant.
Coding change: c.3658C>A on transcript NM_033026.6 (MANE Select); coding-DNA position 3658, C replaced by A.
Protein change: p.Leu1220Ile; replaces leucine 1220 with isoleucine.
Molecular consequence: missense variant.
Genome position (GRCh38, 1-based): chr7:82,966,130, G>T on the plus strand (C>A on the coding strand, the complement: PCLO is on the minus strand). VCF-style: chr7-82966130-G-T. GRCh37 (hg19) VCF-style: chr7-82595446-G-T.
Other names: c.3658C>A, p.Leu1220Ile (NM_014510.3); short protein forms L1220I.
Identifiers: ClinVar variation 1928862 (VCV001928862.5), dbSNP rs753991263, ClinGen allele CA4320991.

ClinVar aggregate classification (germline): Uncertain significance (1 of 4 stars; one submission).

Allele frequency attached by ClinVar (database versions not stated): gnomAD 0.00001; TOPMed 0.00001; gnomAD exomes 0.00003; ExAC 0.00006.
gnomAD v4.1: 40 of 1,602,176 alleles (0.0025%); highest among the groups gnomAD compares: South Asian, 0.043%; no homozygotes.

Submission:

Labcorp Genetics (formerly Invitae), Labcorp
Classification: Uncertain significance. Last evaluated: 2022-08-16. Review status: criteria provided, single submitter. Criteria: Invitae Variant Classification Sherloc (09022015). Collection method: clinical testing. Allele origin: germline.
Comment: This variant is present in population databases (rs753991263, gnomAD 0.03%). In summary, the available evidence is currently insufficient to determine the role of this variant in disease. Therefore, it has been classified as a Variant of Uncertain Significance. Algorithms developed to predict the effect of missense changes on protein structure and function are either unavailable or do not agree on the potential impact of this missense change (SIFT: "Tolerated"; PolyPhen-2: "Not Available"; Align-GVGD: "Class C0"). This variant has not been reported in the literature in individuals affected with PCLO-related conditions. This sequence change replaces leucine, which is neutral and non-polar, with isoleucine, which is neutral and non-polar, at codon 1220 of the PCLO protein (p.Leu1220Ile).